The following is an entry in ClinVar:

ClinVar aggregate classification (germline): Uncertain significance (1 of 4 stars; one submission).

Submission:

Labcorp Genetics (formerly Invitae), Labcorp
Classification: Uncertain significance. Last evaluated: 2024-08-30. Review status: criteria provided, single submitter. Criteria: Invitae Variant Classification Sherloc (09022015). Collection method: clinical testing. Allele origin: germline.
Comment: This sequence change replaces glutamine, which is neutral and polar, with arginine, which is basic and polar, at codon 103 of the CHCHD2 protein (p.Gln103Arg). This variant is not present in population databases (gnomAD no frequency). This variant has not been reported in the literature in individuals affected with CHCHD2-related conditions. An algorithm developed to predict the effect of missense changes on protein structure and function (PolyPhen-2) suggests that this variant is likely to be tolerated. In summary, the available evidence is currently insufficient to determine the role of this variant in disease. Therefore, it has been classified as a Variant of Uncertain Significance.

NM_016139.4(CHCHD2):c.308A>G (p.Gln103Arg)

Gene: CHCHD2 (coiled-coil-helix-coiled-coil-helix domain containing 2; minus strand). Cytogenetic location: 7p11.2.
Variant type: single nucleotide variant.
Coding change: c.308A>G on transcript NM_016139.4 (MANE Select); coding-DNA position 308, A replaced by G.
Protein change: p.Gln103Arg; replaces glutamine 103 with arginine.
Molecular consequence: missense variant.
Genome position (GRCh38, 1-based): chr7:56,103,004, T>C on the plus strand (A>G on the coding strand, the complement: CHCHD2 is on the minus strand). VCF-style: chr7-56103004-T-C. GRCh37 (hg19) VCF-style: chr7-56170697-T-C.
Other names: c.308A>G, p.Gln103Arg (NM_001320327.2); short protein forms Q103R.
Identifiers: ClinVar variation 3663841 (VCV003663841.2).
Genomic context (GRCh38, chr7:56,103,004, plus strand): 5'-TCCAGAAACTGTTTGATCTCATAGAGGCAAGGCTGCTGCTGCTGTGCTGGCTGGGTTCCC[T>C]GAGGCTCCTGCAAAGGCAAAACATTCAACATTGCTGAGAAAGAAAATCATACTTATGCCT-3'
Protein context (NP_057223.1, residues 93-113): ARPDITYQEP[Gln103Arg]GTQPAQQQQP